The following is an entry in ClinVar:

ClinVar aggregate classification (germline): Uncertain significance. Review status: criteria provided, multiple submitters, no conflicts (2 of 4 stars). 3 submissions from 3 submitters: Uncertain significance (3). Last evaluated 2024-09-15.

Conditions:
Autosomal dominant limb-girdle muscular dystrophy type 1F (LGMDD2). Also called: MUSCULAR DYSTROPHY, LIMB-GIRDLE, AUTOSOMAL DOMINANT 2; Limb-girdle muscular dystrophy, type 1F. Identifiers: Orphanet 55595, MedGen C1842062, MONDO:0012034, OMIM 608423.

Allele frequency attached by ClinVar (database versions not stated): ExAC 0.00001; gnomAD 0.00001; TOPMed 0.00001; ESP Exome Variant Server 0.00008.
gnomAD v4.1: 12 of 1,613,946 alleles (0.00074%); highest among the groups gnomAD compares: South Asian, 0.0022%; no homozygotes.

Submissions (3):

Labcorp Genetics (formerly Invitae), Labcorp
Classification: Uncertain significance for Autosomal dominant limb-girdle muscular dystrophy type 1F. Last evaluated: 2024-09-15. Review status: criteria provided, single submitter. Criteria: Invitae Variant Classification Sherloc (09022015). Collection method: clinical testing. Allele origin: germline.
Comment: This sequence change replaces tyrosine, which is neutral and polar, with cysteine, which is neutral and slightly polar, at codon 254 of the TNPO3 protein (p.Tyr254Cys). This variant is present in population databases (rs147630663, gnomAD 0.003%). This variant has not been reported in the literature in individuals affected with TNPO3-related conditions. ClinVar contains an entry for this variant (Variation ID: 2437150). Invitae Evidence Modeling of protein sequence and biophysical properties (such as structural, functional, and spatial information, amino acid conservation, physicochemical variation, residue mobility, and thermodynamic stability) indicates that this missense variant is not expected to disrupt TNPO3 protein function with a negative predictive value of 80%. In summary, the available evidence is currently insufficient to determine the role of this variant in disease. Therefore, it has been classified as a Variant of Uncertain Significance.

Mayo Clinic Laboratories, Mayo Clinic
Classification: Uncertain significance. Last evaluated: 2023-01-05. Review status: criteria provided, single submitter. Criteria: ACMG Guidelines, 2015. Collection method: clinical testing. Allele origin: germline. Observed: 1 variant allele.

Revvity Omics, Revvity
Classification: Uncertain significance for Autosomal dominant limb-girdle muscular dystrophy type 1F. Last evaluated: 2022-04-25. Review status: criteria provided, single submitter. Criteria: ACMG Guidelines, 2015. Collection method: clinical testing. Allele origin: germline.

NM_012470.4(TNPO3):c.761A>G (p.Tyr254Cys)

Gene: TNPO3 (transportin 3; minus strand). Cytogenetic location: 7q32.1.
Variant type: single nucleotide variant.
Coding change: c.761A>G on transcript NM_012470.4 (MANE Select); coding-DNA position 761, A replaced by G.
Protein change: p.Tyr254Cys; replaces tyrosine 254 with cysteine.
Molecular consequence: missense variant. On other transcripts: non-coding transcript variant (18).
Genome position (GRCh38, 1-based): chr7:129,001,170, T>C on the plus strand (A>G on the coding strand, the complement: TNPO3 is on the minus strand). VCF-style: chr7-129001170-T-C. GRCh37 (hg19) VCF-style: chr7-128641224-T-C.
Other names: p.Tyr254Cys; c.761A>G, p.Tyr254Cys (NM_001191028.3, NM_001382216.1, NM_001382218.1 and 4 more transcripts); c.842A>G, p.Tyr281Cys (NM_001382217.1); c.617A>G, p.Tyr206Cys (NM_001382221.1); short protein forms Y206C, Y254C, Y281C.
Identifiers: ClinVar variation 2437150 (VCV002437150.7), dbSNP rs147630663, ClinGen allele CA4478329.